The following is an entry in ClinVar:

NM_000384.3(APOB):c.3301A>G (p.Ile1101Val)

Gene: APOB (apolipoprotein B; minus strand). Cytogenetic location: 2p24.1.
Variant type: single nucleotide variant.
Coding change: c.3301A>G on transcript NM_000384.3 (MANE Select); coding-DNA position 3301, A replaced by G.
Protein change: p.Ile1101Val; replaces isoleucine 1101 with valine.
Molecular consequence: missense variant.
Genome position (GRCh38, 1-based): chr2:21,016,470, T>C on the plus strand (A>G on the coding strand, the complement: APOB is on the minus strand). VCF-style: chr2-21016470-T-C. GRCh37 (hg19) VCF-style: chr2-21239342-T-C.
Other names: short protein forms I1101V.
Identifiers: ClinVar variation 1332300 (VCV001332300.11), dbSNP rs748396067, ClinGen allele CA058448.

ClinVar aggregate classification (germline): Conflicting classifications of pathogenicity. Review status: criteria provided, conflicting classifications (1 of 4 stars). 4 submissions from 4 submitters: Uncertain significance (2); Likely benign (2). Last evaluated 2025-08-13.

Conditions:
Familial hypobetalipoproteinemia 1. Also called: APOB-Related Familial Hypobetalipoproteinemia; Hypobetalipoproteinemia, normotriglyceridemic; Acanthocytosis with hypobetalipoproteinemia. Identifiers: MedGen C4551990, MONDO:0014252, OMIM 615558.
Hypercholesterolemia, autosomal dominant, type B (FHCL2). Also called: APOB-Related Familial Hypercholesterolemia, Autosomal Dominant; HYPERCHOLESTEROLEMIA, FAMILIAL, DUE TO LIGAND-DEFECTIVE APOLIPOPROTEIN B; Hyperlipoproteinemia Type IIb; Familial Hypercholesterolemia Type B; APOLIPOPROTEIN B-100, FAMILIAL DEFECTIVE; APOLIPOPROTEIN B-100, FAMILIAL LIGAND-DEFECTIVE. Identifiers: MedGen C1704417, MONDO:0007751, OMIM 144010.
Cardiovascular phenotype. Identifiers: MedGen CN230736.

Allele frequency attached by ClinVar (database versions not stated): gnomAD exomes 0.00001 and 0.00010; gnomAD 0.00003; TOPMed 0.00004.
gnomAD v4.1: 19 of 1,611,486 alleles (0.0012%); highest among the groups gnomAD compares: East Asian, 0.038%; no homozygotes.

Submissions (4):

Labcorp Genetics (formerly Invitae), Labcorp
Classification: Likely benign for Familial hypobetalipoproteinemia 1; Hypercholesterolemia, autosomal dominant, type B. Last evaluated: 2025-08-13. Review status: criteria provided, single submitter. Criteria: Invitae Variant Classification Sherloc (09022015). Collection method: clinical testing. Allele origin: germline.

Quest Diagnostics Nichols Institute San Juan Capistrano
Classification: Uncertain significance. Last evaluated: 2025-08-06. Review status: criteria provided, single submitter. Criteria: Quest Diagnostics criteria. Collection method: clinical testing. Allele origin: unknown.
Comment: The APOB c.3301A>G (p.Ile1101Val) variant has not been reported in individuals with APOB-related conditions in the published literature. The frequency of this variant in the general population (Genome Aggregation Database) is higher than would generally be expected for pathogenic variants in this gene. Analysis of this variant using bioinformatics tools for the prediction of the effect of amino acid changes on protein structure and function yielded predictions that this variant is benign. Based on the available information, we are unable to determine the clinical significance of this variant.

Ambry Genetics
Classification: Likely benign for Cardiovascular phenotype. Last evaluated: 2024-06-21. Review status: criteria provided, single submitter. Criteria: Ambry Variant Classification Scheme 2023. Collection method: clinical testing. Allele origin: germline.

GeneDx
Classification: Uncertain significance. Last evaluated: 2023-10-12. Review status: criteria provided, single submitter. Criteria: GeneDx Variant Classification Process June 2021. Collection method: clinical testing. Allele origin: germline. Affected: yes.
Comment: Has not been previously published as pathogenic or benign to our knowledge; In silico analysis supports that this missense variant does not alter protein structure/function